The following is an entry in ClinVar:

ClinVar aggregate classification (germline): Likely benign. Review status: criteria provided, multiple submitters, no conflicts (2 of 4 stars). 2 submissions from 2 submitters: Likely benign (2). Last evaluated 2026-08-01.

Allele frequency attached by ClinVar (database versions not stated): ExAC 0.00007; gnomAD 0.00016 and 0.00017; TOPMed 0.00017; gnomAD exomes 0.00018; 1000 Genomes Project 30x 0.00047; 1000 Genomes Project 0.00060.
gnomAD v4.1: 218 of 1,538,082 alleles (0.014%); highest among the groups gnomAD compares: East Asian, 0.17%; no homozygotes.

Submissions (2):

CeGaT Center for Human Genetics Tuebingen
Classification: Likely benign. Last evaluated: 2026-08-01. Review status: criteria provided, single submitter. Criteria: CeGaT Center For Human Genetics Tuebingen Variant Classification Criteria Version 2. Collection method: clinical testing. Allele origin: germline. Affected: yes. Observed: 2 variant alleles.
Comment: RORA: BP4, BP7, BS1

Blueprint Genetics
Classification: Likely benign. Last evaluated: 2024-11-26. Review status: criteria provided, single submitter. Criteria: ACMG Guidelines, 2015. Collection method: clinical testing. Allele origin: germline.

NM_134261.3(RORA):c.132G>C (p.Pro44=)

Gene: RORA (RAR related orphan receptor A; minus strand). Cytogenetic location: 15q22.2.
Variant type: single nucleotide variant.
Coding change: c.132G>C on transcript NM_134261.3 (MANE Select); coding-DNA position 132, G replaced by C.
Protein change: p.Pro44=; no amino-acid change (proline 44 retained).
Molecular consequence: synonymous variant.
Genome position (GRCh38, 1-based): chr15:61,229,087, C>G on the plus strand (G>C on the coding strand, the complement: RORA is on the minus strand). VCF-style: chr15-61229087-C-G. GRCh37 (hg19) VCF-style: chr15-61521286-C-G.
Identifiers: ClinVar variation 1298626 (VCV001298626.36), dbSNP rs548732228, ClinGen allele CA7593998.